The following is an entry in ClinVar:

NM_206926.2(SELENON):c.176C>A (p.Ala59Glu)

Gene: SELENON (selenoprotein N; plus strand). Cytogenetic location: 1p36.11.
Variant type: single nucleotide variant.
Coding change: c.176C>A on transcript NM_206926.2 (MANE Select); coding-DNA position 176, C replaced by A.
Protein change: p.Ala59Glu; replaces alanine 59 with glutamic acid.
Molecular consequence: missense variant.
Genome position (GRCh38, 1-based): chr1:25,800,406, C>A. VCF-style: chr1-25800406-C-A. GRCh37 (hg19) VCF-style: chr1-26126897-C-A.
Other names: c.176C>A, p.Ala59Glu (NM_020451.3); short protein forms A59E.
Identifiers: ClinVar variation 1481839 (VCV001481839.5), dbSNP rs970390100, ClinGen allele CA19693170.

ClinVar aggregate classification (germline): Uncertain significance (1 of 4 stars; one submission).

Conditions:
Eichsfeld type congenital muscular dystrophy (CMYO3). Also called: MYOPATHY, SEPN1-RELATED; SELENON-related myopathy; Congenital myopathy 3 with rigid spine; Rigid spine muscular dystrophy 1. Identifiers: MedGen C0410180, MONDO:0100100, OMIM 602771.

Allele frequency attached by ClinVar (database versions not stated): gnomAD 0.00001.

Submission:

Labcorp Genetics (formerly Invitae), Labcorp
Classification: Uncertain significance for Eichsfeld type congenital muscular dystrophy. Last evaluated: 2021-02-20. Review status: criteria provided, single submitter. Criteria: Invitae Variant Classification Sherloc (09022015). Collection method: clinical testing. Allele origin: germline.
Comment: Algorithms developed to predict the effect of missense changes on protein structure and function are either unavailable or do not agree on the potential impact of this missense change (SIFT: "Tolerated"; PolyPhen-2: "Possibly Damaging"; Align-GVGD: "Class C0"). In summary, the available evidence is currently insufficient to determine the role of this variant in disease. Therefore, it has been classified as a Variant of Uncertain Significance. This variant has not been reported in the literature in individuals with SELENON-related conditions. This sequence change replaces alanine with glutamic acid at codon 59 of the SELENON protein (p.Ala59Glu). The alanine residue is weakly conserved and there is a moderate physicochemical difference between alanine and glutamic acid. The frequency data for this variant in the population databases is considered unreliable, as metrics indicate insufficient coverage at this position in the ExAC database.